The following is an entry in ClinVar:

NM_004415.4(DSP):c.1593A>T (p.Glu531Asp)

Gene: DSP (desmoplakin; plus strand). Cytogenetic location: 6p24.3.
Variant type: single nucleotide variant.
Coding change: c.1593A>T on transcript NM_004415.4 (MANE Select); coding-DNA position 1593, A replaced by T.
Protein change: p.Glu531Asp; replaces glutamic acid 531 with aspartic acid.
Molecular consequence: missense variant.
Genome position (GRCh38, 1-based): chr6:7,570,455, A>T. VCF-style: chr6-7570455-A-T. GRCh37 (hg19) VCF-style: chr6-7570688-A-T.
Other names: c.1593A>T, p.Glu531Asp (NM_001008844.3, NM_001319034.2); short protein forms E531D.
Identifiers: ClinVar variation 4786509 (VCV004786509.1).

ClinVar aggregate classification (germline): Uncertain significance (1 of 4 stars; one submission).

Conditions:
Arrhythmogenic cardiomyopathy with wooly hair and keratoderma. Also called: Carvajal syndrome; PALMOPLANTAR KERATODERMA WITH LEFT VENTRICULAR CARDIOMYOPATHY AND WOOLLY HAIR; Dilated cardiomyopathy with woolly hair and keratoderma; Arrhythmogenic cardiomyopathy with woolly hair and keratoderma. Identifiers: Orphanet 65282, MedGen C1854063, MONDO:0011581, OMIM 605676.
Arrhythmogenic right ventricular dysplasia 8 (ARVD8). Also called: Arrhythmogenic Right Ventricular Dysplasia/Cardiomyopathy 8; ARRHYTHMOGENIC RIGHT VENTRICULAR DYSPLASIA, FAMILIAL, 8; ARRHYTHMOGENIC RIGHT VENTRICULAR CARDIOMYOPATHY 8. Identifiers: MedGen C1843896, MONDO:0011831, OMIM 607450.

gnomAD v4.1: 1 of 1,614,032 alleles (0.000062%); highest among the groups gnomAD compares: Non-Finnish European, 0.000085%; no homozygotes.

Submission:

Labcorp Genetics (formerly Invitae), Labcorp
Classification: Uncertain significance for Arrhythmogenic cardiomyopathy with wooly hair and keratoderma; Arrhythmogenic right ventricular dysplasia 8. Last evaluated: 2025-10-23. Review status: criteria provided, single submitter. Criteria: Invitae Variant Classification Sherloc (09022015). Collection method: clinical testing. Allele origin: germline.
Comment: This sequence change replaces glutamic acid, which is acidic and polar, with aspartic acid, which is acidic and polar, at codon 531 of the DSP protein (p.Glu531Asp). This variant is not present in population databases (gnomAD no frequency). This variant has not been reported in the literature in individuals affected with DSP-related conditions. An algorithm developed to predict the effect of missense changes on protein structure and function (PolyPhen-2) suggests that this variant is likely to be tolerated. In summary, the available evidence is currently insufficient to determine the role of this variant in disease. Therefore, it has been classified as a Variant of Uncertain Significance.